The following is an entry in ClinVar:

NM_003482.4(KMT2D):c.15694A>G (p.Ile5232Val)

Gene: KMT2D (lysine methyltransferase 2D; minus strand). Cytogenetic location: 12q13.12.
Variant type: single nucleotide variant.
Coding change: c.15694A>G on transcript NM_003482.4 (MANE Select); coding-DNA position 15694, A replaced by G.
Protein change: p.Ile5232Val; replaces isoleucine 5232 with valine.
Molecular consequence: missense variant.
Genome position (GRCh38, 1-based): chr12:49,026,272, T>C on the plus strand (A>G on the coding strand, the complement: KMT2D is on the minus strand). VCF-style: chr12-49026272-T-C. GRCh37 (hg19) VCF-style: chr12-49420055-T-C.
Other names: short protein forms I5232V.
Identifiers: ClinVar variation 309000 (VCV000309000.22), dbSNP rs199593058, ClinGen allele CA6545511.
Genomic context (GRCh38, chr12:49,026,272, plus strand): 5'-CCTCCAGGCCCTGCTCGATGACTTTGATTACAAACTCCGGCCGCCCGTTGTTCTCACCAA[T>C]AGAACAGCGATAGCAGCAGCGACGATTGTTGGTGCGGAGGCTCCAATAGATGCGCGTGGC-3'
Protein context (NP_003473.3, residues 5222-5242): NNRRCCYRCS[Ile5232Val]GENNGRPEFV

ClinVar aggregate classification (germline): Conflicting classifications of pathogenicity. Review status: criteria provided, conflicting classifications (1 of 4 stars). 9 submissions from 8 submitters: Uncertain significance (3); Benign (1); Likely benign (5). Last evaluated 2025-12-16.

Conditions:
KMT2D-related disorder. Also called: KMT2D-Related Disorders.
Inborn genetic diseases. Identifiers: MedGen C0950123, MeSH D030342.
Kabuki syndrome 1 (KABUK1). Also called: KMT2D-Related Kabuki Syndrome. Identifiers: Orphanet 2322, MedGen CN030661, MONDO:0007843, OMIM 147920.
Choanal atresia-athelia-hypothyroidism-delayed puberty-short stature syndrome (BCAHH). Also called: BRANCHIAL ARCH ABNORMALITIES, CHOANAL ATRESIA, ATHELIA, HEARING LOSS, AND HYPOTHYROIDISM SYNDROME. Identifiers: Orphanet 589856, MedGen C5680310, MONDO:0035651, OMIM 620186.
Kabuki syndrome. Also called: NIIKAWA-KUROKI SYNDROME; Kabuki make-up syndrome. Identifiers: Orphanet 2322, MedGen C0796004, MONDO:0016512.

Allele frequency attached by ClinVar (database versions not stated): ExAC 0.00007; ESP Exome Variant Server 0.00008; gnomAD 0.00011; gnomAD exomes 0.00012 and 0.00020; TOPMed 0.00019.
gnomAD v4.1: 312 of 1,611,050 alleles (0.019%); highest among the groups gnomAD compares: Non-Finnish European, 0.024%; no homozygotes.

Submissions (9):

Labcorp Genetics (formerly Invitae), Labcorp
Classification: Benign for Kabuki syndrome. Last evaluated: 2025-12-16. Review status: criteria provided, single submitter. Criteria: Invitae Variant Classification Sherloc (09022015). Collection method: clinical testing. Allele origin: germline.

PreventionGenetics, part of Exact Sciences
Classification: Likely benign for KMT2D-related condition. Last evaluated: 2025-02-11. Review status: criteria provided, single submitter. Criteria: ACMG Guidelines, 2015. Collection method: clinical testing. Allele origin: germline.
Comment: This variant is classified as likely benign based on ACMG/AMP sequence variant interpretation guidelines (Richards et al. 2015 PMID: 25741868, with internal and published modifications).

Blueprint Genetics
Classification: Likely benign. Last evaluated: 2024-10-04. Review status: criteria provided, single submitter. Criteria: ACMG Guidelines, 2015. Collection method: clinical testing. Allele origin: germline.

Department of Pathology and Laboratory Medicine, Sinai Health System
Classification: Likely benign for Kabuki syndrome 1; Choanal atresia-athelia-hypothyroidism-delayed puberty-short stature syndrome. Last evaluated: 2023-09-21. Review status: criteria provided, single submitter. Criteria: ACMG Guidelines, 2015. Collection method: research. Allele origin: germline.

Ambry Genetics
Classification: Likely benign for Inborn genetic diseases. Last evaluated: 2022-02-28. Review status: criteria provided, single submitter. Criteria: Ambry Variant Classification Scheme 2023. Collection method: clinical testing. Allele origin: germline.

GeneDx
Classification: Likely benign. Last evaluated: 2020-05-14. Review status: criteria provided, single submitter. Criteria: GeneDx Variant Classification Process June 2021. Collection method: clinical testing. Allele origin: germline. Affected: yes.
Comment: This variant is associated with the following publications: (PMID: 30459467)

Eurofins Ntd Llc (ga)
Classification: Uncertain significance. Last evaluated: 2018-05-17. Review status: criteria provided, single submitter. Criteria: EGL ClinVar v180209 classification definitions. Collection method: clinical testing. Allele origin: germline. Observed: 1 variant allele, 1 heterozygote.

Center for Genomics, Ann and Robert H. Lurie Children's Hospital of Chicago
Classification: Uncertain significance for Kabuki syndrome 1. Last evaluated: 2017-10-10. Review status: criteria provided, single submitter. Criteria: ACMG Guidelines, 2015. Collection method: clinical testing. Allele origin: germline.
Comment: KMT2D NM_003482.3 exon 48 p.Ile5232Val (c.15694A>G): This variant has not been reported in the literature but is present in 25/126658 European alleles in the Genome Aggregation Database. This variant is present in ClinVar (Variation ID:309000). Evolutionary conservation and computational predictive tools suggest that this variant may not impact the protein. In summary, data on this variant is insufficient for disease classification. Therefore, the clinical significance of this variant is uncertain.

Center for Genomics, Ann and Robert H. Lurie Children's Hospital of Chicago
Classification: Uncertain significance for Choanal atresia-athelia-hypothyroidism-delayed puberty-short stature syndrome; Kabuki syndrome 1. Review status: criteria provided, single submitter. Criteria: ACMG Guidelines, 2015. Collection method: clinical testing. Allele origin: germline.
Comment: KMT2D NM_003482 exon 48 p.Ile5232Val (c.15694A>G): This variant has not been reported in the literature but is present in 25/126658 European alleles in the Genome Aggregation Database. This variant is present in ClinVar (Variation ID:309000). Evolutionary conservation and computational predictive tools suggest that this variant may not impact the protein. In summary, data on this variant is insufficient for disease classification. Therefore, the clinical significance of this variant is uncertain.

Literature cited by the submitters: PubMed 30459467 (cited by Ambry Genetics).